The following is an entry in ClinVar:

ClinVar aggregate classification (germline): Uncertain significance (1 of 4 stars; one submission).

Submission:

Labcorp Genetics (formerly Invitae), Labcorp
Classification: Uncertain significance. Last evaluated: 2025-12-21. Review status: criteria provided, single submitter. Criteria: Invitae Variant Classification Sherloc (09022015). Collection method: clinical testing. Allele origin: germline.
Comment: This variant, c.559_561dup, results in the insertion of 1 amino acid(s) of the IRF9 protein (p.Ser187dup), but otherwise preserves the integrity of the reading frame. This variant is present in population databases (rs746378882, gnomAD 0.007%). This variant has not been reported in the literature in individuals affected with IRF9-related conditions. In summary, the available evidence is currently insufficient to determine the role of this variant in disease. Therefore, it has been classified as a Variant of Uncertain Significance.

NM_006084.5(IRF9):c.541AGC[8] (p.Ser187_Pro188insSer)

Gene: IRF9 (interferon regulatory factor 9; plus strand). Cytogenetic location: 14q12.
Variant type: Microsatellite.
Coding change: c.541AGC[8] on transcript NM_006084.5 (MANE Select); eight copies in a row of the 3-base unit AGC starting at c.541; the reference has seven copies in a row; one copy, 3 bases duplicated.
Protein change: p.Ser187_Pro188insSer.
Molecular consequence: inframe insertion.
Genome position (GRCh38, 1-based): chr14:24,163,941-24,163,943, AGC duplicated; duplicating any 3 consecutive bases within chr14:24,163,923-24,163,943 gives the same sequence; the position shown is the placement nearest the transcript's 3' end. VCF-style (leftmost placement, unchanged base first): chr14-24163922-G-GAGC. GRCh37 (hg19) VCF-style: chr14-24633131-G-GAGC.
Other names: c.541AGC[8], p.Ser187_Pro188insSer (NM_001385400.1, NM_001385401.1, NM_001385402.1).
Identifiers: ClinVar variation 1925457 (VCV001925457.5), dbSNP rs746378882, ClinGen allele CA7126470.